The following is an entry in ClinVar:

NM_000744.7(CHRNA4):c.1227_1228inv (p.Val410Ile)

Gene: CHRNA4 (cholinergic receptor nicotinic alpha 4 subunit; minus strand). Cytogenetic location: 20q13.33.
Variant type: Inversion.
Coding change: c.1227_1228inv on transcript NM_000744.7 (MANE Select).
Protein change: p.Val410Ile; replaces valine 410 with isoleucine.
Molecular consequence: missense variant. On other transcripts: non-coding transcript variant (1).
Genome position: GRCh38 VCF-style: chr20-63350183-CA-TG. GRCh37 (hg19) VCF-style: chr20-61981535-CA-TG.
Other names: c.1227_1228delTGinsCA (NM_000744.5); c.699_700inv, p.Val234Ile (NM_001256573.2); c.1227_1228delinsCA (NM_000744.5); short protein forms V234I, V410I.
Identifiers: ClinVar variation 411850 (VCV000411850.12), ClinGen allele CA16616244.

ClinVar aggregate classification (germline): Conflicting classifications of pathogenicity. Review status: criteria provided, conflicting classifications (1 of 4 stars). 2 submissions from 2 submitters: Uncertain significance (1); Likely benign (1). Last evaluated 2025-08-02.

Conditions:
Familial sleep-related hypermotor epilepsy. Also called: Autosomal Dominant Sleep-Related Hypermotor (Hyperkinetic) Epilepsy. Identifiers: Orphanet 98784, MedGen C3696898, MONDO:0000030.

Submissions (2):

Labcorp Genetics (formerly Invitae), Labcorp
Classification: Likely benign. Last evaluated: 2025-08-02. Review status: criteria provided, single submitter. Criteria: Invitae Variant Classification Sherloc (09022015). Collection method: clinical testing. Allele origin: germline.

GeneDx
Classification: Uncertain significance. Last evaluated: 2023-09-20. Review status: criteria provided, single submitter. Criteria: GeneDx Variant Classification Process June 2021. Collection method: clinical testing. Allele origin: germline. Affected: yes.
Comment: Not observed at significant frequency in large population cohorts (gnomAD); In silico analysis supports that this variant does not alter protein structure/function; Has not been previously published as pathogenic or benign to our knowledge